The following is an entry in ClinVar:

NM_003200.5(TCF3):c.920A>G (p.His307Arg)

Gene: TCF3 (transcription factor 3; minus strand). Cytogenetic location: 19p13.3.
Variant type: single nucleotide variant.
Coding change: c.920A>G on transcript NM_003200.5 (MANE Select); coding-DNA position 920, A replaced by G.
Protein change: p.His307Arg; replaces histidine 307 with arginine.
Molecular consequence: missense variant.
Genome position (GRCh38, 1-based): chr19:1,621,873, T>C on the plus strand (A>G on the coding strand, the complement: TCF3 is on the minus strand). VCF-style: chr19-1621873-T-C. GRCh37 (hg19) VCF-style: chr19-1621872-T-C.
Other names: c.920A>G, p.His307Arg (NM_001351778.2, NM_001351779.2, NM_001136139.4); short protein forms H307R.
Identifiers: ClinVar variation 2974310 (VCV002974310.3), dbSNP rs370625466, ClinGen allele CA9050165.

ClinVar aggregate classification (germline): Uncertain significance (1 of 4 stars; one submission).

Allele frequency attached by ClinVar (database versions not stated): gnomAD 0.00001; ExAC 0.00002; TOPMed 0.00004; ESP Exome Variant Server 0.00008.
gnomAD v4.1: 27 of 1,594,560 alleles (0.0017%); highest among the groups gnomAD compares: Non-Finnish European, 0.0021%; no homozygotes.

Submission:

Labcorp Genetics (formerly Invitae), Labcorp
Classification: Uncertain significance. Last evaluated: 2024-09-03. Review status: criteria provided, single submitter. Criteria: Invitae Variant Classification Sherloc (09022015). Collection method: clinical testing. Allele origin: germline.
Comment: This sequence change replaces histidine, which is basic and polar, with arginine, which is basic and polar, at codon 307 of the TCF3 protein (p.His307Arg). This variant is present in population databases (rs370625466, gnomAD 0.005%). This variant has not been reported in the literature in individuals affected with TCF3-related conditions. Invitae Evidence Modeling of protein sequence and biophysical properties (such as structural, functional, and spatial information, amino acid conservation, physicochemical variation, residue mobility, and thermodynamic stability) indicates that this missense variant is not expected to disrupt TCF3 protein function with a negative predictive value of 80%. In summary, the available evidence is currently insufficient to determine the role of this variant in disease. Therefore, it has been classified as a Variant of Uncertain Significance.